The following is an entry in ClinVar:

ClinVar aggregate classification (germline): Uncertain significance. Review status: criteria provided, multiple submitters, no conflicts (2 of 4 stars). 2 submissions from 2 submitters: Uncertain significance (2). Last evaluated 2023-11-13.

Submissions (2):

Blueprint Genetics
Classification: Uncertain significance. Last evaluated: 2023-11-13. Review status: criteria provided, single submitter. Criteria: ACMG Guidelines, 2015. Collection method: clinical testing. Allele origin: germline.

Labcorp Genetics (formerly Invitae), Labcorp
Classification: Uncertain significance. Last evaluated: 2023-07-26. Review status: criteria provided, single submitter. Criteria: Invitae Variant Classification Sherloc (09022015). Collection method: clinical testing. Allele origin: germline.
Comment: In summary, the available evidence is currently insufficient to determine the role of this variant in disease. Therefore, it has been classified as a Variant of Uncertain Significance. This variant disrupts the p.His587 amino acid residue in COMP. Other variant(s) that disrupt this residue have been determined to be pathogenic (PMID: 9880218, 12768438, 17570134, 20936634; Invitae). This suggests that this residue is clinically significant, and that variants that disrupt this residue are likely to be disease-causing. Advanced modeling of protein sequence and biophysical properties (such as structural, functional, and spatial information, amino acid conservation, physicochemical variation, residue mobility, and thermodynamic stability) performed at Invitae indicates that this missense variant is not expected to disrupt COMP protein function. This variant has not been reported in the literature in individuals affected with COMP-related conditions. This variant is not present in population databases (gnomAD no frequency). This sequence change replaces histidine, which is basic and polar, with leucine, which is neutral and non-polar, at codon 587 of the COMP protein (p.His587Leu).

Literature cited by the submitters: PubMed 9880218 (cited by Labcorp Genetics (formerly Invitae), Labcorp); PubMed 12768438 (cited by Labcorp Genetics (formerly Invitae), Labcorp); PubMed 17570134 (cited by Labcorp Genetics (formerly Invitae), Labcorp); PubMed 20936634 (cited by Labcorp Genetics (formerly Invitae), Labcorp).

NM_000095.3(COMP):c.1760A>T (p.His587Leu)

Gene: COMP (cartilage oligomeric matrix protein; minus strand). Cytogenetic location: 19p13.11.
Variant type: single nucleotide variant.
Coding change: c.1760A>T on transcript NM_000095.3 (MANE Select); coding-DNA position 1760, A replaced by T.
Protein change: p.His587Leu; replaces histidine 587 with leucine.
Molecular consequence: missense variant.
Genome position (GRCh38, 1-based): chr19:18,785,050, T>A on the plus strand (A>T on the coding strand, the complement: COMP is on the minus strand). VCF-style: chr19-18785050-T-A. GRCh37 (hg19) VCF-style: chr19-18895860-T-A.
Other names: short protein forms H587L.
Identifiers: ClinVar variation 2742261 (VCV002742261.4), dbSNP rs312262901, ClinGen allele CA404878978.